The following is an entry in ClinVar:

NM_001010874.5(TECRL):c.131G>A (p.Gly44Asp)

Gene: TECRL (trans-2,3-enoyl-CoA reductase like; minus strand). Cytogenetic location: 4q13.1.
Variant type: single nucleotide variant.
Coding change: c.131G>A on transcript NM_001010874.5 (MANE Select); coding-DNA position 131, G replaced by A.
Protein change: p.Gly44Asp; replaces glycine 44 with aspartic acid.
Molecular consequence: missense variant.
Genome position (GRCh38, 1-based): chr4:64,409,221, C>T on the plus strand (G>A on the coding strand, the complement: TECRL is on the minus strand). VCF-style: chr4-64409221-C-T. GRCh37 (hg19) VCF-style: chr4-65274939-C-T.
Other names: c.131G>A, p.Gly44Asp (NM_001363796.1); short protein forms G44D.
Identifiers: ClinVar variation 3232337 (VCV003232337.1), dbSNP rs2475861740, ClinGen allele CA357149153.

ClinVar aggregate classification (germline): Uncertain significance (1 of 4 stars; one submission).

Conditions:
Cardiovascular phenotype. Identifiers: MedGen CN230736.

Allele frequency attached by ClinVar (database versions not stated): gnomAD exomes below 0.00001.
gnomAD v4.1: 3 of 1,612,798 alleles (0.00019%); highest among the groups gnomAD compares: East Asian, 0.0022%; no homozygotes.

Submission:

Ambry Genetics
Classification: Uncertain significance for Cardiovascular phenotype. Last evaluated: 2024-01-22. Review status: criteria provided, single submitter. Criteria: Ambry Variant Classification Scheme 2023. Collection method: clinical testing. Allele origin: germline.
Comment: The p.G44D variant (also known as c.131G>A), located in coding exon 1 of the TECRL gene, results from a G to A substitution at nucleotide position 131. The glycine at codon 44 is replaced by aspartic acid, an amino acid with similar properties. This amino acid position is conserved. In addition, this alteration is predicted to be tolerated by in silico analysis. Based on the available evidence, the clinical significance of this alteration remains unclear.